The following is an entry in ClinVar:

NM_032043.3(BRIP1):c.3603T>C (p.Ile1201=)

Gene: BRIP1 (BRCA1 interacting DNA helicase 1; minus strand). Cytogenetic location: 17q23.2.
Variant type: single nucleotide variant.
Coding change: c.3603T>C on transcript NM_032043.3 (MANE Select); coding-DNA position 3603, T replaced by C.
Protein change: p.Ile1201=; no amino-acid change (isoleucine 1201 retained).
Molecular consequence: synonymous variant.
Genome position (GRCh38, 1-based): chr17:61,683,443, A>G on the plus strand (T>C on the coding strand, the complement: BRIP1 is on the minus strand). VCF-style: chr17-61683443-A-G. GRCh37 (hg19) VCF-style: chr17-59760804-A-G.
Identifiers: ClinVar variation 823978 (VCV000823978.14), dbSNP rs1239998940, ClinGen allele CA501335216.

ClinVar aggregate classification (germline): Benign/Likely benign. Review status: criteria provided, multiple submitters, no conflicts (2 of 4 stars). 3 submissions from 3 submitters: Benign (1); Likely benign (2). Last evaluated 2024-09-10.

Conditions:
Familial cancer of breast. Also called: hereditary breast carcinoma; BREAST CANCER, FAMILIAL; Hereditary breast cancer. Identifiers: Orphanet 227535, MedGen C0346153, MONDO:0016419, OMIM 114480. Disease mechanism: loss of function.
Hereditary cancer-predisposing syndrome. Also called: Neoplastic Syndromes, Hereditary; Hereditary Cancer Syndrome; Hereditary neoplastic syndrome; Tumor predisposition. Identifiers: Orphanet 140162, MedGen C0027672, MeSH D009386, MONDO:0015356.
Fanconi anemia complementation group J. Also called: BRIP1-Related Fanconi Anemia. Identifiers: Orphanet 84, MedGen C1836860, MONDO:0012187, OMIM 609054.

Allele frequency attached by ClinVar (database versions not stated): gnomAD exomes below 0.00001.
gnomAD v4.1: 1 of 1,613,584 alleles (0.000062%); highest among the groups gnomAD compares: Non-Finnish European, 0.000085%; no homozygotes.

Submissions (3):

Myriad Genetics, Inc.
Classification: Benign for Familial cancer of breast. Last evaluated: 2024-09-10. Review status: criteria provided, single submitter. Criteria: Myriad Autosomal Dominant, Autosomal Recessive and X-Linked Classification Criteria (2023). Collection method: clinical testing. Allele origin: unknown.
Comment: This variant is considered benign. This variant is a silent/synonymous amino acid change and it is not expected to impact splicing.

Labcorp Genetics (formerly Invitae), Labcorp
Classification: Likely benign for Familial cancer of breast; Fanconi anemia complementation group J. Last evaluated: 2021-03-29. Review status: criteria provided, single submitter. Criteria: Invitae Variant Classification Sherloc (09022015). Collection method: clinical testing. Allele origin: germline.

Ambry Genetics
Classification: Likely benign for Hereditary cancer-predisposing syndrome. Last evaluated: 2018-07-05. Review status: criteria provided, single submitter. Criteria: Ambry Variant Classification Scheme 2023. Collection method: clinical testing. Allele origin: germline.